The following is an entry in ClinVar:

NM_000257.4(MYH7):c.3474C>T (p.Ser1158=)

Gene: MYH7 (myosin heavy chain 7; minus strand). Cytogenetic location: 14q11.2.
Variant type: single nucleotide variant.
Coding change: c.3474C>T on transcript NM_000257.4 (MANE Select); coding-DNA position 3474, C replaced by T.
Protein change: p.Ser1158=; no amino-acid change (serine 1158 retained).
Molecular consequence: synonymous variant.
Genome position (GRCh38, 1-based): chr14:23,420,097, G>A on the plus strand (C>T on the coding strand, the complement: MYH7 is on the minus strand). VCF-style: chr14-23420097-G-A. GRCh37 (hg19) VCF-style: chr14-23889306-G-A.
Other names: c.3474C>T (LRG_384t1).
Identifiers: ClinVar variation 129668 (VCV000129668.23), dbSNP rs587780395, ClinGen allele CA013766.
Genomic context (GRCh38, chr14:23,420,097, plus strand): 5'-CAGGTCCCGCCGCATCTTCTGGAACTCGGCCTCGCGCTTCTTGTTCATCTCGATCTGCAC[G>A]GACGTGGCCCCGCCGGCCTCTTCCAGCCGCTCGCTGATCTCCTCCAGCTCCCGAGACAGG-3'
Protein context (NP_000248.2, residues 1148-1168): ERLEEAGGAT[Ser1158=]VQIEMNKKRE

ClinVar aggregate classification (germline): Conflicting classifications of pathogenicity. Review status: criteria provided, conflicting classifications (1 of 4 stars). 7 submissions from 7 submitters: Uncertain significance (1); Benign (1); Likely benign (5). Last evaluated 2026-02-03.

Conditions:
Cardiovascular phenotype. Identifiers: MedGen CN230736.
Cardiomyopathy (CMYO). Also called: Cardiomyopathies. Identifiers: Orphanet 167848, MedGen C0878544, MONDO:0004994, HP:0001638. Inheritance: Various modes of inheritance.
Hypertrophic cardiomyopathy. Also called: HYPERTROPHIC MYOCARDIOPATHY. Identifiers: Orphanet 217569, MedGen C0007194, MeSH D002312, MONDO:0005045, HP:0001639.

Allele frequency attached by ClinVar (database versions not stated): gnomAD 0.00001; ExAC 0.00001.
gnomAD v4.1: 25 of 1,602,402 alleles (0.0016%); highest among the groups gnomAD compares: African/African-American, 0.0094%; no homozygotes.

Submissions (7):

Ambry Genetics
Classification: Likely benign for Cardiovascular phenotype. Last evaluated: 2026-02-03. Review status: criteria provided, single submitter. Criteria: Ambry Variant Classification Scheme 2023. Collection method: clinical testing. Allele origin: germline.

Labcorp Genetics (formerly Invitae), Labcorp
Classification: Likely benign for Hypertrophic cardiomyopathy. Last evaluated: 2026-01-11. Review status: criteria provided, single submitter. Criteria: Invitae Variant Classification Sherloc (09022015). Collection method: clinical testing. Allele origin: germline.

Women's Health and Genetics/Laboratory Corporation of America, LabCorp
Classification: Likely benign. Last evaluated: 2025-04-29. Review status: criteria provided, single submitter. Criteria: LabCorp Variant Classification Summary - May 2015. Collection method: clinical testing. Allele origin: germline.

All of Us Research Program, National Institutes of Health
Classification: Likely benign for Cardiomyopathy. Last evaluated: 2024-04-16. Review status: criteria provided, single submitter. Criteria: ACMG Guidelines, 2015. Collection method: clinical testing. Allele origin: germline. Inheritance: Autosomal dominant inheritance. Observed: 7 variant alleles, 7 heterozygotes.
Comment: This study involves interpretation of variants in research participants for the purpose of population health screening. Participant phenotype was not available at the time of variant classification. Additional details can be found in publication PMID: 35346344, PMCID: PMC8962531

Color Diagnostics, LLC DBA Color Health
Classification: Likely benign for Cardiomyopathy. Last evaluated: 2018-08-17. Review status: criteria provided, single submitter. Criteria: ACMG Guidelines, 2015. Collection method: clinical testing. Allele origin: germline.

GeneDx
Classification: Benign. Last evaluated: 2014-02-12. Review status: criteria provided, single submitter. Criteria: GeneDx Variant Classification (06012015). Collection method: clinical testing. Allele origin: germline. Affected: yes.
Comment: This variant is considered likely benign or benign based on one or more of the following criteria: it is a conservative change, it occurs at a poorly conserved position in the protein, it is predicted to be benign by multiple in silico algorithms, and/or has population frequency not consistent with disease.

Genetic Services Laboratory, University of Chicago
Classification: Uncertain significance. Last evaluated: 2013-08-26. Review status: criteria provided, single submitter. Criteria: ACMG Guidelines, 2007. Collection method: clinical testing. Allele origin: germline. Inheritance: Autosomal dominant inheritance.